The following is an entry in ClinVar:

NM_003193.5(TBCE):c.1270+63T>C

Gene: TBCE (tubulin folding cofactor E; plus strand). Cytogenetic location: 1q42.3.
Variant type: single nucleotide variant.
Coding change: c.1270+63T>C on transcript NM_003193.5 (MANE Select); 63 bases into the intron after coding-DNA position 1270, T replaced by C.
Molecular consequence: intron variant.
Genome position (GRCh38, 1-based): chr1:235,438,985, T>C. VCF-style: chr1-235438985-T-C. GRCh37 (hg19) VCF-style: chr1-235602300-T-C.
Other names: c.1270+63T>C (NM_001079515.3); c.1423+63T>C (NM_001287801.2); c.931+63T>C (NM_001287802.2).
Identifiers: ClinVar variation 4820703 (VCV004820703.4).

ClinVar aggregate classification (germline): Likely benign (1 of 4 stars; one submission).

gnomAD v4.1: 760 of 1,610,894 alleles (0.047%); highest among the groups gnomAD compares: Non-Finnish European, 0.061%; no homozygotes.

Submission:

CeGaT Center for Human Genetics Tuebingen
Classification: Likely benign. Last evaluated: 2026-04-01. Review status: criteria provided, single submitter. Criteria: CeGaT Center For Human Genetics Tuebingen Variant Classification Criteria Version 2. Collection method: clinical testing. Allele origin: germline. Affected: yes. Observed: 2 variant alleles.
Comment: TBCE: BP4, BP7